The following is an entry in ClinVar:

ClinVar aggregate classification (germline): Likely pathogenic (1 of 4 stars; one submission).

Conditions:
Glycogen storage disease, type II (IOPD). Also called: Glucosidase acid-1,4-alpha deficiency; Pompe Disease; GLYCOGENOSIS, GENERALIZED, CARDIAC FORM; GSD II; POMPE DISEASE, INFANTILE-ONSET; GLYCOGEN STORAGE DISEASE II, INFANTILE-ONSET. Identifiers: Orphanet 365, MedGen C0017921, MONDO:0009290, OMIM 232300.

Submission:

Labcorp Genetics (formerly Invitae), Labcorp
Classification: Likely pathogenic for Glycogen storage disease, type II. Last evaluated: 2020-12-14. Review status: criteria provided, single submitter. Criteria: Invitae Variant Classification Sherloc (09022015). Collection method: clinical testing. Allele origin: germline.
Comment: In summary, the currently available evidence indicates that the variant is pathogenic, but additional data are needed to prove that conclusively. Therefore, this variant has been classified as Likely Pathogenic. This variant disrupts the p.Cys103 amino acid residue in GAA. Other variant(s) that disrupt this residue have been determined to be pathogenic (PMID: 21109266, 29181627, 18429042, 18607768, 14695532, 24158270). This suggests that this residue is clinically significant, and that variants that disrupt this residue are likely to be disease-causing. Advanced modeling of protein sequence and biophysical properties (such as structural, functional, and spatial information, amino acid conservation, physicochemical variation, residue mobility, and thermodynamic stability) performed at Invitae indicates that this missense variant is expected to disrupt GAA protein function. This variant has not been reported in the literature in individuals with GAA-related conditions. This variant is not present in population databases (ExAC no frequency). This sequence change replaces cysteine with tyrosine at codon 103 of the GAA protein (p.Cys103Tyr). The cysteine residue is highly conserved and there is a large physicochemical difference between cysteine and tyrosine.

Literature cited by the submitters: PubMed 21109266; PubMed 29181627; PubMed 18429042; PubMed 18607768; PubMed 14695532; PubMed 24158270.

NM_000152.5(GAA):c.308G>A (p.Cys103Tyr)

Gene: GAA (alpha glucosidase; plus strand). Cytogenetic location: 17q25.3.
Variant type: single nucleotide variant.
Coding change: c.308G>A on transcript NM_000152.5 (MANE Select); coding-DNA position 308, G replaced by A.
Protein change: p.Cys103Tyr; replaces cysteine 103 with tyrosine.
Molecular consequence: missense variant.
Genome position (GRCh38, 1-based): chr17:80,104,894, G>A. VCF-style: chr17-80104894-G-A. GRCh37 (hg19) VCF-style: chr17-78078693-G-A.
Other names: c.308G>A, p.Cys103Tyr (NM_001079803.3, NM_001079804.3); short protein forms C103Y.
Identifiers: ClinVar variation 1502634 (VCV001502634.8), dbSNP rs2143827215, ClinGen allele CA401360690.